The following is an entry in ClinVar:

NM_000397.4(CYBB):c.561A>G (p.Ile187Met)

Gene: CYBB (cytochrome b-245 beta chain; plus strand). Cytogenetic location: Xp21.1.
Variant type: single nucleotide variant.
Coding change: c.561A>G on transcript NM_000397.4 (MANE Select); coding-DNA position 561, A replaced by G.
Protein change: p.Ile187Met; replaces isoleucine 187 with methionine.
Molecular consequence: missense variant.
Genome position (GRCh38, 1-based): chrX:37,796,028, A>G. VCF-style: chrX-37796028-A-G. GRCh37 (hg19) VCF-style: chrX-37655281-A-G.
Other names: short protein forms I187M.
Identifiers: ClinVar variation 4847948 (VCV004847948.1).

ClinVar aggregate classification (germline): Uncertain significance (1 of 4 stars; one submission).

Submission:

Women's Health and Genetics/Laboratory Corporation of America, LabCorp
Classification: Uncertain significance. Last evaluated: 2026-02-09. Review status: criteria provided, single submitter. Criteria: LabCorp Variant Classification Summary - May 2015. Collection method: clinical testing. Allele origin: germline.
Comment: Variant summary: CYBB c.561A>G (p.Ile187Met) results in a conservative amino acid change in the encoded protein sequence. Algorithms developed to predict the effect of missense changes on protein structure and function are either unavailable or do not agree on the potential impact of this missense change. The variant was absent in 182920 control chromosomes. The available data on variant occurrences in the general population are insufficient to allow any conclusion about variant significance. To our knowledge, no occurrence of c.561A>G in individuals affected with CYBB-related conditions and no experimental evidence demonstrating its impact on protein function have been reported. No submitters have cited clinical-significance assessments for this variant to ClinVar. Based on the evidence outlined above, the variant was classified as uncertain significance.